The following is an entry in ClinVar:

ClinVar aggregate classification (germline): Likely benign (1 of 4 stars; one submission).

gnomAD v4.1: 3 of 1,614,038 alleles (0.00019%); highest among the groups gnomAD compares: Non-Finnish European, 0.00025%; no homozygotes.

Submission:

CeGaT Center for Human Genetics Tuebingen
Classification: Likely benign. Last evaluated: 2025-07-01. Review status: criteria provided, single submitter. Criteria: CeGaT Center For Human Genetics Tuebingen Variant Classification Criteria Version 2. Collection method: clinical testing. Allele origin: germline. Affected: yes. Observed: 1 variant allele.
Comment: EMILIN2: BP4, BP7

NM_032048.3(EMILIN2):c.2247G>A (p.Arg749=)

Gene: EMILIN2 (elastin microfibril interfacer 2; plus strand). Cytogenetic location: 18p11.32.
Variant type: single nucleotide variant.
Coding change: c.2247G>A on transcript NM_032048.3 (MANE Select); coding-DNA position 2247, G replaced by A.
Protein change: p.Arg749=; no amino-acid change (arginine 749 retained).
Molecular consequence: synonymous variant.
Genome position (GRCh38, 1-based): chr18:2,892,374, G>A. VCF-style: chr18-2892374-G-A. GRCh37 (hg19) VCF-style: chr18-2892372-G-A.
Identifiers: ClinVar variation 4084877 (VCV004084877.8).
Genomic context (GRCh38, chr18:2,892,374, plus strand): 5'-GCTCAACAAGCATGTCAGCAGCCTGTGGAACTGTGTCAGGCAGATGAACGGAACGCTCAG[G>A]TCGCATTCCAGAGACATTTCTGGCCTGAAGAATTCAGTCCAGCAGTTCTACAGCCACGTC-3'
Protein context (NP_114437.2, residues 739-759): NCVRQMNGTL[Arg749=]SHSRDISGLK